The following is an entry in ClinVar:

NM_004974.4(KCNA2):c.773T>A (p.Ile258Asn)

Gene: KCNA2 (potassium voltage-gated channel subfamily A member 2; minus strand). Cytogenetic location: 1p13.3.
Variant type: single nucleotide variant.
Coding change: c.773T>A on transcript NM_004974.4 (MANE Select); coding-DNA position 773, T replaced by A.
Protein change: p.Ile258Asn; replaces isoleucine 258 with asparagine.
Molecular consequence: missense variant.
Genome position (GRCh38, 1-based): chr1:110,604,010, A>T on the plus strand (T>A on the coding strand, the complement: KCNA2 is on the minus strand). VCF-style: chr1-110604010-A-T. GRCh37 (hg19) VCF-style: chr1-111146632-A-T.
Other names: c.773T>A, p.Ile258Asn (NM_001204269.2); short protein forms I258N.
Identifiers: ClinVar variation 1721403 (VCV001721403.6), dbSNP rs2524618913, ClinGen allele CA341603227.

ClinVar aggregate classification (germline): Pathogenic (1 of 4 stars; one submission).

Conditions:
Developmental and epileptic encephalopathy, 32 (DEE32). Also called: Epileptic encephalopathy, early infantile, 32. Identifiers: Orphanet 442835, MedGen C4225350, MONDO:0014607, OMIM 616366.

Submission:

Labcorp Genetics (formerly Invitae), Labcorp
Classification: Pathogenic for Developmental and epileptic encephalopathy, 32. Last evaluated: 2022-11-08. Review status: criteria provided, single submitter. Criteria: Invitae Variant Classification Sherloc (09022015). Collection method: clinical testing. Allele origin: germline.
Comment: For these reasons, this variant has been classified as Pathogenic. Advanced modeling of protein sequence and biophysical properties (such as structural, functional, and spatial information, amino acid conservation, physicochemical variation, residue mobility, and thermodynamic stability) performed at Invitae indicates that this missense variant is expected to disrupt KCNA2 protein function. This missense change has been observed in individual(s) with clinical features of autosomal dominant epileptic encephalopathy with cerebellar atrophy (Invitae). In at least one individual the variant was observed to be de novo. This variant is not present in population databases (gnomAD no frequency). This sequence change replaces isoleucine, which is neutral and non-polar, with asparagine, which is neutral and polar, at codon 258 of the KCNA2 protein (p.Ile258Asn).